The following is an entry in ClinVar:

ClinVar aggregate classification (germline): Conflicting classifications of pathogenicity. Review status: criteria provided, conflicting classifications (1 of 4 stars). 5 submissions from 5 submitters: Uncertain significance (2); Benign (1); Likely benign (1). 1 of the submissions does not count toward it. Last evaluated 2024-10-03.

Conditions:
CSF1R-related disorder. Also called: CSF1R-related condition. Identifiers: MedGen CN379780, MONDO:0100632.
Inborn genetic diseases. Identifiers: MedGen C0950123, MeSH D030342.
Hereditary diffuse leukoencephalopathy with spheroids. Also called: LEUKOENCEPHALOPATHY, ADULT-ONSET, WITH AXONAL SPHEROIDS AND PIGMENTED GLIA. Identifiers: Orphanet 313808, MedGen C3711381, MONDO:0030796.

Allele frequency attached by ClinVar (database versions not stated): TOPMed 0.00009.
gnomAD v4.1: 34 of 1,614,056 alleles (0.0021%); highest among the groups gnomAD compares: African/African-American, 0.033%; no homozygotes.

Submissions (5):

Labcorp Genetics (formerly Invitae), Labcorp
Classification: Uncertain significance. Last evaluated: 2024-10-03. Review status: criteria provided, single submitter. Criteria: Invitae Variant Classification Sherloc (09022015). Collection method: clinical testing. Allele origin: germline.
Comment: This sequence change replaces arginine, which is basic and polar, with proline, which is neutral and non-polar, at codon 921 of the CSF1R protein (p.Arg921Pro). This variant is present in population databases (rs56059682, gnomAD 0.01%). This variant has not been reported in the literature in individuals affected with CSF1R-related conditions. ClinVar contains an entry for this variant (Variation ID: 352127). An algorithm developed to predict the effect of missense changes on protein structure and function outputs the following: PolyPhen-2: "Benign". The proline amino acid residue is found in multiple mammalian species, which suggests that this missense change does not adversely affect protein function. In summary, the available evidence is currently insufficient to determine the role of this variant in disease. Therefore, it has been classified as a Variant of Uncertain Significance.

Blueprint Genetics
Classification: Likely benign. Last evaluated: 2024-09-13. Review status: criteria provided, single submitter. Criteria: ACMG Guidelines, 2015. Collection method: clinical testing. Allele origin: germline.

Ambry Genetics
Classification: Uncertain significance for Inborn genetic diseases. Last evaluated: 2022-04-06. Review status: criteria provided, single submitter. Criteria: Ambry Variant Classification Scheme 2023. Collection method: clinical testing. Allele origin: germline.

Illumina Laboratory Services, Illumina
Classification: Benign for Leukoencephalopathy, diffuse hereditary, with spheroids 1. Last evaluated: 2018-01-12. Review status: criteria provided, single submitter. Criteria: ICSL Variant Classification Criteria 13 December 2019. Collection method: clinical testing. Allele origin: germline.
Comment: This variant was observed in the ICSL laboratory as part of a predisposition screen in an ostensibly healthy population. It had not been previously curated by ICSL or reported in the Human Gene Mutation Database (HGMD: prior to June 1st, 2018), and was therefore a candidate for classification through an automated scoring system. Utilizing variant allele frequency, disease prevalence and penetrance estimates, and inheritance mode, an automated score was calculated to assess if this variant is too frequent to cause the disease. Based on the score and internal cut-off values, a variant classified as benign is not then subjected to further curation. The score for this variant resulted in a classification of benign for this disease.

PreventionGenetics, part of Exact Sciences
Classification: Uncertain significance for CSF1R-related condition. Last evaluated: 2024-03-12. Review status: no assertion criteria provided. Collection method: clinical testing. Allele origin: germline. Not counted in ClinVar's aggregate classification.
Comment: The CSF1R c.2762G>C variant is predicted to result in the amino acid substitution p.Arg921Pro. To our knowledge, this variant has not been reported in the literature. This variant is reported in 0.016% of alleles in individuals of African descent in gnomAD. At this time, the clinical significance of this variant is uncertain due to the absence of conclusive functional and genetic evidence.

NM_001288705.3(CSF1R):c.2762G>C (p.Arg921Pro)

Gene: CSF1R (colony stimulating factor 1 receptor; minus strand). Cytogenetic location: 5q32.
Variant type: single nucleotide variant.
Coding change: c.2762G>C on transcript NM_001288705.3 (MANE Select); coding-DNA position 2762, G replaced by C.
Protein change: p.Arg921Pro; replaces arginine 921 with proline.
Molecular consequence: missense variant. On other transcripts: non-coding transcript variant (2).
Genome position (GRCh38, 1-based): chr5:150,054,323, C>G on the plus strand (G>C on the coding strand, the complement: CSF1R is on the minus strand). VCF-style: chr5-150054323-C-G. GRCh37 (hg19) VCF-style: chr5-149433886-C-G.
Other names: c.2762G>C, p.Arg921Pro (NM_001349736.2, NM_001375320.1, NM_005211.4); c.2318G>C, p.Arg773Pro (NM_001375321.1); short protein forms R921P, R773P.
Identifiers: ClinVar variation 352127 (VCV000352127.12), dbSNP rs56059682, ClinGen allele CA3506363.